The following is an entry in ClinVar:

NM_001267550.2(TTN):c.22743C>G (p.Asp7581Glu)

Gene: TTN (titin; minus strand). Cytogenetic location: 2q31.2.
Variant type: single nucleotide variant.
Coding change: c.22743C>G on transcript NM_001267550.2 (MANE Select); coding-DNA position 22743, C replaced by G.
Protein change: p.Asp7581Glu; replaces aspartic acid 7581 with glutamic acid.
Molecular consequence: missense variant. On other transcripts: intron variant (3).
Genome position (GRCh38, 1-based): chr2:178,721,920, G>C on the plus strand (C>G on the coding strand, the complement: TTN is on the minus strand). VCF-style: chr2-178721920-G-C. GRCh37 (hg19) VCF-style: chr2-179586647-G-C.
Other names: c.21792C>G, p.Asp7264Glu (NM_001256850.1); c.19011C>G, p.Asp6337Glu (NM_133378.4); c.13282+16162C>G (NM_003319.4); c.13858+16162C>G (NM_133437.4); c.13657+16162C>G (NM_133432.3); short protein forms D6337E, D7264E, D7581E.
Identifiers: ClinVar variation 1196613 (VCV001196613.2), dbSNP rs540314973, ClinGen allele CA2000775.
Genomic context (GRCh38, chr2:178,721,920, plus strand): 5'-CTGAGCTGAGCACATGTCTTTGCCAACATCATTGGTTGCTTGGCAAGTATATTGACCAGA[G>C]TCTCCTTTGCCTACTTTAAGAATTCTCAAATGAGGAGTGTTTCCCACACATGTGATTGTA-3'
Protein context (NP_001254479.2, residues 7571-7591): HLRILKVGKG[Asp7581Glu]SGQYTCQATN

ClinVar aggregate classification (germline): Uncertain significance (1 of 4 stars; one submission).

Allele frequency attached by ClinVar (database versions not stated): gnomAD exomes below 0.00001 and 0.00001; TOPMed below 0.00001; gnomAD 0.00001; ExAC 0.00002; 1000 Genomes Project 30x 0.00016; 1000 Genomes Project 0.00020.
gnomAD v4.1: 4 of 1,613,504 alleles (0.00025%); highest among the groups gnomAD compares: Admixed American, 0.0033%; no homozygotes.

Submission:

GeneDx
Classification: Uncertain significance. Last evaluated: 2021-01-18. Review status: criteria provided, single submitter. Criteria: GeneDx Variant Classification Process June 2021. Collection method: clinical testing. Allele origin: germline. Affected: yes.
Comment: Not observed at a significant frequency in large population cohorts (Lek et al., 2016); Missense variant in a gene in which most reported pathogenic variants are truncating/loss-of-function; Has not been previously published as pathogenic or benign to our knowledge